The following is an entry in ClinVar:

NM_203446.3(SYNJ1):c.741A>G (p.Ile247Met)

Gene: SYNJ1 (synaptojanin 1; minus strand). Cytogenetic location: 21q22.11.
Variant type: single nucleotide variant.
Coding change: c.741A>G on transcript NM_203446.3 (MANE Select); coding-DNA position 741, A replaced by G.
Protein change: p.Ile247Met; replaces isoleucine 247 with methionine.
Molecular consequence: missense variant.
Genome position (GRCh38, 1-based): chr21:32,694,276, T>C on the plus strand (A>G on the coding strand, the complement: SYNJ1 is on the minus strand). VCF-style: chr21-32694276-T-C. GRCh37 (hg19) VCF-style: chr21-34066586-T-C.
Other names: c.741A>G, p.Ile247Met (NM_001160302.2, NM_001160306.2); c.858A>G, p.Ile286Met (NM_003895.4); short protein forms I247M, I286M.
Identifiers: ClinVar variation 1057776 (VCV001057776.9), dbSNP rs1477089702, ClinGen allele CA410097725.

ClinVar aggregate classification (germline): Uncertain significance (1 of 4 stars; one submission).

Conditions:
Developmental and epileptic encephalopathy, 53. Also called: Epileptic encephalopathy, early infantile, 53. Identifiers: MedGen C4479313, MONDO:0033362, OMIM 617389.
Early-onset Parkinson disease 20. Also called: PARKINSON DISEASE 20, AUTOSOMAL RECESSIVE EARLY-ONSET. Identifiers: Orphanet 391411, MedGen C3809824, MONDO:0014233, OMIM 615530.

Allele frequency attached by ClinVar (database versions not stated): gnomAD 0.00001; TOPMed 0.00001.
gnomAD v4.1: 1 of 1,570,066 alleles (0.000064%); highest among the groups gnomAD compares: African/African-American, 0.0014%; no homozygotes.

Submission:

Labcorp Genetics (formerly Invitae), Labcorp
Classification: Uncertain significance for Developmental and epileptic encephalopathy, 53; Early-onset Parkinson disease 20. Last evaluated: 2020-08-31. Review status: criteria provided, single submitter. Criteria: Invitae Variant Classification Sherloc (09022015). Collection method: clinical testing. Allele origin: germline.
Comment: In summary, the available evidence is currently insufficient to determine the role of this variant in disease. Therefore, it has been classified as a Variant of Uncertain Significance. Algorithms developed to predict the effect of missense changes on protein structure and function are either unavailable or do not agree on the potential impact of this missense change (SIFT: "Deleterious"; PolyPhen-2: "Possibly Damaging"; Align-GVGD: "Class C0"). This variant has not been reported in the literature in individuals with SYNJ1-related conditions. This variant is not present in population databases (ExAC no frequency). This sequence change replaces isoleucine with methionine at codon 286 of the SYNJ1 protein (p.Ile286Met). The isoleucine residue is moderately conserved and there is a small physicochemical difference between isoleucine and methionine.